The following is an entry in ClinVar:

ClinVar aggregate classification (germline): Likely benign. Review status: criteria provided, multiple submitters, no conflicts (2 of 4 stars). 3 submissions from 3 submitters: Likely benign (3). Last evaluated 2024-08-01.

Conditions:
Ataxia-telangiectasia syndrome (AT). Also called: Cerebello-oculocutaneous telangiectasia; Immunodeficiency with ataxia telangiectasia; AT, COMPLEMENTATION GROUP C; Ataxia-telangiectasia, complementation group D; LOUIS-BAR SYNDROME; Ataxia-telangiectasia, complementation group E. Identifiers: Orphanet 100, MedGen C0004135, MONDO:0008840, OMIM 208900.
Familial cancer of breast. Also called: BREAST CANCER, FAMILIAL; Hereditary breast cancer; hereditary breast carcinoma. Identifiers: Orphanet 227535, MedGen C0346153, MONDO:0016419, OMIM 114480. Disease mechanism: loss of function.

Submissions (3):

Labcorp Genetics (formerly Invitae), Labcorp
Classification: Likely benign for Ataxia-telangiectasia syndrome. Last evaluated: 2024-08-01. Review status: criteria provided, single submitter. Criteria: Invitae Variant Classification Sherloc (09022015). Collection method: clinical testing. Allele origin: germline.

Myriad Genetics, Inc.
Classification: Likely benign for Familial cancer of breast. Last evaluated: 2024-04-17. Review status: criteria provided, single submitter. Criteria: Myriad Autosomal Dominant, Autosomal Recessive and X-Linked Classification Criteria (2023). Collection method: clinical testing. Allele origin: unknown.
Comment: This variant is considered likely benign. This variant is intronic and is not expected to impact mRNA splicing.

GeneDx
Classification: Likely benign. Last evaluated: 2017-10-11. Review status: criteria provided, single submitter. Criteria: GeneDx Variant Classification (06012015). Collection method: clinical testing. Allele origin: germline. Affected: yes.
Comment: This variant is considered likely benign or benign based on one or more of the following criteria: it is a conservative change, it occurs at a poorly conserved position in the protein, it is predicted to be benign by multiple in silico algorithms, and/or has population frequency not consistent with disease.

NM_000051.4(ATM):c.185+10T>G

Gene: ATM (ATM serine/threonine kinase; plus strand). Cytogenetic location: 11q22.3.
Variant type: single nucleotide variant.
Coding change: c.185+10T>G on transcript NM_000051.4 (MANE Select); 10 bases into the intron after coding-DNA position 185, T replaced by G.
Molecular consequence: intron variant.
Genome position (GRCh38, 1-based): chr11:108,227,898, T>G. VCF-style: chr11-108227898-T-G. GRCh37 (hg19) VCF-style: chr11-108098625-T-G.
Other names: c.185+10T>G (NM_001351834.2, NM_001351835.2, NM_001351836.2).
Identifiers: ClinVar variation 506295 (VCV000506295.10), dbSNP rs1555054317, ClinGen allele CA658797774.